The following is an entry in ClinVar:

ClinVar aggregate classification (germline): Uncertain significance. Review status: criteria provided, single submitter (1 of 4 stars). 2 submissions from 2 submitters: Uncertain significance (1). 1 of the submissions does not count toward it. Last evaluated 2025-04-07.

Conditions:
Inborn genetic diseases. Identifiers: MedGen C0950123, MeSH D030342.
ABCB4-related disorder. Also called: ABCB4-related disorders; ABCB4-related condition.

Allele frequency attached by ClinVar (database versions not stated): gnomAD 0.00001; TOPMed 0.00002.
gnomAD v4.1: 34 of 1,613,950 alleles (0.0021%); highest among the groups gnomAD compares: Non-Finnish European, 0.0029%; no homozygotes.

Submissions (2):

Ambry Genetics
Classification: Uncertain significance for Inborn genetic diseases. Last evaluated: 2025-04-07. Review status: criteria provided, single submitter. Criteria: Ambry Variant Classification Scheme 2023. Collection method: clinical testing. Allele origin: germline.

PreventionGenetics, part of Exact Sciences
Classification: Uncertain significance for ABCB4-related condition. Last evaluated: 2024-02-13. Review status: no assertion criteria provided. Collection method: clinical testing. Allele origin: germline. Not counted in ClinVar's aggregate classification.
Comment: The ABCB4 c.3521A>T variant is predicted to result in the amino acid substitution p.Gln1174Leu. To our knowledge, this variant has not been reported in the literature. This variant is reported in 0.00088% of alleles in individuals of European (Non-Finnish) descent in gnomAD. At this time, the clinical significance of this variant is uncertain due to the absence of conclusive functional and genetic evidence.

NM_000443.4(ABCB4):c.3521A>T (p.Gln1174Leu)

Gene: ABCB4 (ATP binding cassette subfamily B member 4; minus strand). Cytogenetic location: 7q21.12.
Variant type: single nucleotide variant.
Coding change: c.3521A>T on transcript NM_000443.4 (MANE Select); coding-DNA position 3521, A replaced by T.
Protein change: p.Gln1174Leu; replaces glutamine 1174 with leucine.
Molecular consequence: missense variant.
Genome position (GRCh38, 1-based): chr7:87,403,247, T>A on the plus strand (A>T on the coding strand, the complement: ABCB4 is on the minus strand). VCF-style: chr7-87403247-T-A. GRCh37 (hg19) VCF-style: chr7-87032563-T-A.
Other names: c.3542A>T, p.Gln1181Leu (NM_018849.3); c.3380A>T, p.Gln1127Leu (NM_018850.3); short protein forms Q1127L, Q1174L, Q1181L.
Identifiers: ClinVar variation 3029990 (VCV003029990.3), dbSNP rs765296260, ClinGen allele CA162102947.